The following is an entry in ClinVar:

NM_001367561.1(DOCK7):c.4157T>C (p.Phe1386Ser)

Gene: DOCK7 (dedicator of cytokinesis 7; minus strand). Cytogenetic location: 1p31.3.
Variant type: single nucleotide variant.
Coding change: c.4157T>C on transcript NM_001367561.1 (MANE Select); coding-DNA position 4157, T replaced by C.
Protein change: p.Phe1386Ser; replaces phenylalanine 1386 with serine.
Molecular consequence: missense variant.
Genome position (GRCh38, 1-based): chr1:62,513,569, A>G on the plus strand (T>C on the coding strand, the complement: DOCK7 is on the minus strand). VCF-style: chr1-62513569-A-G. GRCh37 (hg19) VCF-style: chr1-62979240-A-G.
Other names: c.4157T>C, p.Phe1386Ser (NM_001271999.2, NM_001330614.2); c.4064T>C, p.Phe1355Ser (NM_001272000.2, NM_001272001.2, NM_033407.4); short protein forms F1355S, F1386S.
Identifiers: ClinVar variation 2413388 (VCV002413388.7), dbSNP rs1644564751, ClinGen allele CA340624489.
Genomic context (GRCh38, chr1:62,513,569, plus strand): 5'-GCACCTATGCTCCCAAGAATAGCTTCTTCAAGCTTTGCTCTCATGTCTTTTGATTTCTTA[A>G]AGGTCAAGCTATTCATTCGTTCAAACACTTTTTTCCCCTAAAATGTAAACATTAGAAGAG-3'
Protein context (NP_001354490.1, residues 1376-1396): KVFERMNSLT[Phe1386Ser]KKSKDMRAKL

ClinVar aggregate classification (germline): Uncertain significance (1 of 4 stars; one submission).

Conditions:
Developmental and epileptic encephalopathy, 23 (DEE23). Also called: Epileptic encephalopathy, early infantile, 23. Identifiers: Orphanet 411986, MedGen C4014492, MONDO:0014371, OMIM 615859.

Allele frequency attached by ClinVar (database versions not stated): TOPMed below 0.00001.

Submission:

Labcorp Genetics (formerly Invitae), Labcorp
Classification: Uncertain significance for Developmental and epileptic encephalopathy, 23. Last evaluated: 2023-08-30. Review status: criteria provided, single submitter. Criteria: Invitae Variant Classification Sherloc (09022015). Collection method: clinical testing. Allele origin: germline.
Comment: This variant has not been reported in the literature in individuals affected with DOCK7-related conditions. This variant is not present in population databases (gnomAD no frequency). This sequence change replaces phenylalanine, which is neutral and non-polar, with serine, which is neutral and polar, at codon 1386 of the DOCK7 protein (p.Phe1386Ser). In summary, the available evidence is currently insufficient to determine the role of this variant in disease. Therefore, it has been classified as a Variant of Uncertain Significance. Advanced modeling of protein sequence and biophysical properties (such as structural, functional, and spatial information, amino acid conservation, physicochemical variation, residue mobility, and thermodynamic stability) performed at Invitae indicates that this missense variant is not expected to disrupt DOCK7 protein function. ClinVar contains an entry for this variant (Variation ID: 2413388).